The following is an entry in ClinVar:

NM_000361.3(THBD):c.326A>G (p.Gln109Arg)

Gene: THBD (thrombomodulin; minus strand). Cytogenetic location: 20p11.21.
Variant type: single nucleotide variant.
Coding change: c.326A>G on transcript NM_000361.3 (MANE Select); coding-DNA position 326, A replaced by G.
Protein change: p.Gln109Arg; replaces glutamine 109 with arginine.
Molecular consequence: missense variant.
Genome position (GRCh38, 1-based): chr20:23,049,179, T>C on the plus strand (A>G on the coding strand, the complement: THBD is on the minus strand). VCF-style: chr20-23049179-T-C. GRCh37 (hg19) VCF-style: chr20-23029816-T-C.
Other names: short protein forms Q109R.
Identifiers: ClinVar variation 2108755 (VCV002108755.4), dbSNP rs1984670137, ClinGen allele CA408407927.

ClinVar aggregate classification (germline): Uncertain significance (1 of 4 stars; one submission).

Allele frequency attached by ClinVar (database versions not stated): TOPMed below 0.00001; gnomAD 0.00001.

Submission:

Labcorp Genetics (formerly Invitae), Labcorp
Classification: Uncertain significance. Last evaluated: 2024-12-18. Review status: criteria provided, single submitter. Criteria: Invitae Variant Classification Sherloc (09022015). Collection method: clinical testing. Allele origin: germline.
Comment: This sequence change replaces glutamine, which is neutral and polar, with arginine, which is basic and polar, at codon 109 of the THBD protein (p.Gln109Arg). This variant is not present in population databases (gnomAD no frequency). This variant has not been reported in the literature in individuals affected with THBD-related conditions. ClinVar contains an entry for this variant (Variation ID: 2108755). Invitae Evidence Modeling of protein sequence and biophysical properties (such as structural, functional, and spatial information, amino acid conservation, physicochemical variation, residue mobility, and thermodynamic stability) indicates that this missense variant is not expected to disrupt THBD protein function with a negative predictive value of 80%. In summary, the available evidence is currently insufficient to determine the role of this variant in disease. Therefore, it has been classified as a Variant of Uncertain Significance.